The following is an entry in ClinVar:

NM_001715.3(BLK):c.14G>A (p.Ser5Asn)

Gene: BLK (BLK proto-oncogene, Src family tyrosine kinase). Cytogenetic location: 8p23.1.
Variant type: single nucleotide variant.
Coding change: c.14G>A on transcript NM_001715.3 (MANE Select); coding-DNA position 14, G replaced by A.
Protein change: p.Ser5Asn; replaces serine 5 with asparagine.
Molecular consequence: missense variant. On other transcripts: intron variant (1).
Genome position (GRCh38, 1-based): chr8:11,543,238, G>A. VCF-style: chr8-11543238-G-A. GRCh37 (hg19) VCF-style: chr8-11400747-G-A.
Other names: c.-90-2814G>A (NM_001330465.2); short protein forms S5N.
Identifiers: ClinVar variation 1907423 (VCV001907423.5), dbSNP rs371790094, ClinGen allele CA4629628.
Genomic context (GRCh38, chr8:11,543,238, plus strand): 5'-AGGCCCCGCTCTCTCATGTCCTCTGTCTGCTGTGTGTCTCCGACAGGATGGGGCTGGTAA[G>A]TAGCAAAAAGCCGGACAAGGAAAAGCCGATCAAAGAGAAGGACAAGGGCCAATGGAGCCC-3'
Protein context (NP_001706.2, residues 1-15): MGLV[Ser5Asn]SKKPDKEKPI

ClinVar aggregate classification (germline): Uncertain significance (1 of 4 stars; one submission).

Allele frequency attached by ClinVar (database versions not stated): gnomAD exomes below 0.00001; TOPMed below 0.00001; ExAC 0.00001; gnomAD 0.00001; ESP Exome Variant Server 0.00008.
gnomAD v4.1: 3 of 1,613,830 alleles (0.00019%); highest among the groups gnomAD compares: Non-Finnish European, 0.00025%; no homozygotes.

Submission:

Labcorp Genetics (formerly Invitae), Labcorp
Classification: Uncertain significance. Last evaluated: 2022-08-22. Review status: criteria provided, single submitter. Criteria: Invitae Variant Classification Sherloc (09022015). Collection method: clinical testing. Allele origin: germline.
Comment: In summary, the available evidence is currently insufficient to determine the role of this variant in disease. Therefore, it has been classified as a Variant of Uncertain Significance. Algorithms developed to predict the effect of missense changes on protein structure and function (SIFT, PolyPhen-2, Align-GVGD) all suggest that this variant is likely to be tolerated. This variant has not been reported in the literature in individuals affected with BLK-related conditions. This variant is present in population databases (rs371790094, gnomAD 0.002%). This sequence change replaces serine, which is neutral and polar, with asparagine, which is neutral and polar, at codon 5 of the BLK protein (p.Ser5Asn).